The following is an entry in ClinVar:

ClinVar aggregate classification (germline): Uncertain significance (1 of 4 stars; one submission).

Submission:

Dasa
Classification: Uncertain significance. Last evaluated: 2025-04-25. Review status: criteria provided, single submitter. Criteria: DASA Assertion Criteria. Collection method: clinical testing. Allele origin: germline.
Comment: NM_000237.3(LPL):c.1282A>C (p.Ile428Leu) is a missense variant that results in the substitution of isoleucine with leucine. This variant is absent from population databases. Computational prediction algorithms are consistent with a benign effect. The currently available literature and clinical evidence are not sufficient to establish a definitive association between this variant and the reported condition. Therefore, this variant is classified as a variant of uncertain significance.

NM_000237.3(LPL):c.1282A>C (p.Ile428Leu)

Gene: LPL (lipoprotein lipase; plus strand). Cytogenetic location: 8p21.3.
Variant type: single nucleotide variant.
Coding change: c.1282A>C on transcript NM_000237.3 (MANE Select); coding-DNA position 1282, A replaced by C.
Protein change: p.Ile428Leu; replaces isoleucine 428 with leucine.
Molecular consequence: missense variant.
Genome position (GRCh38, 1-based): chr8:19,961,043, A>C. VCF-style: chr8-19961043-A-C. GRCh37 (hg19) VCF-style: chr8-19818554-A-C.
Other names: short protein forms I428L.
Identifiers: ClinVar variation 4885080 (VCV004885080.2).